The following is an entry in ClinVar:

ClinVar aggregate classification (germline): Uncertain significance. Review status: criteria provided, multiple submitters, no conflicts (2 of 4 stars). 3 submissions from 3 submitters: Uncertain significance (3). Last evaluated 2025-11-13.

Conditions:
Inborn genetic diseases. Identifiers: MedGen C0950123, MeSH D030342.
Familial hemophagocytic lymphohistiocytosis 3 (FHL3). Also called: UNC13D-Related Familial Hemophagocytic Lymphohistiocytosis (UNC13D-fHLH). Identifiers: Orphanet 540, MedGen C1837174, MONDO:0012146, OMIM 608898.

Allele frequency attached by ClinVar (database versions not stated): gnomAD exomes below 0.00001; ExAC 0.00001; gnomAD 0.00001.

Submissions (3):

Mayo Clinic Laboratories, Mayo Clinic
Classification: Uncertain significance. Last evaluated: 2025-11-13. Review status: criteria provided, single submitter. Criteria: ACMG Guidelines, 2015. Collection method: clinical testing. Allele origin: germline. Observed: 1 variant allele.
Comment: BP4_moderate, PM2_supporting

Ambry Genetics
Classification: Uncertain significance for Inborn genetic diseases. Last evaluated: 2025-06-19. Review status: criteria provided, single submitter. Criteria: Ambry Variant Classification Scheme 2023. Collection method: clinical testing. Allele origin: germline.

Labcorp Genetics (formerly Invitae), Labcorp
Classification: Uncertain significance for Familial hemophagocytic lymphohistiocytosis 3. Last evaluated: 2021-08-26. Review status: criteria provided, single submitter. Criteria: Invitae Variant Classification Sherloc (09022015). Collection method: clinical testing. Allele origin: germline.

NM_199242.3(UNC13D):c.304C>T (p.Arg102Trp)

Gene: UNC13D (unc-13 homolog D; minus strand). Cytogenetic location: 17q25.1.
Variant type: single nucleotide variant.
Coding change: c.304C>T on transcript NM_199242.3 (MANE Select); coding-DNA position 304, C replaced by T.
Protein change: p.Arg102Trp; replaces arginine 102 with tryptophan.
Molecular consequence: missense variant.
Genome position (GRCh38, 1-based): chr17:75,843,031, G>A on the plus strand (C>T on the coding strand, the complement: UNC13D is on the minus strand). VCF-style: chr17-75843031-G-A. GRCh37 (hg19) VCF-style: chr17-73839112-G-A.
Other names: p.Arg102Trp; short protein forms R102W.
Identifiers: ClinVar variation 664521 (VCV000664521.6), dbSNP rs749533827, ClinGen allele CA8773536.